The following is an entry in ClinVar:

ClinVar aggregate classification (germline): Uncertain significance (1 of 4 stars; one submission).

Conditions:
Hereditary cancer-predisposing syndrome. Also called: Neoplastic Syndromes, Hereditary; Tumor predisposition; Hereditary neoplastic syndrome; Hereditary Cancer Syndrome. Identifiers: Orphanet 140162, MedGen C0027672, MeSH D009386, MONDO:0015356.

Allele frequency attached by ClinVar (database versions not stated): TOPMed below 0.00001.

Submission:

Ambry Genetics
Classification: Uncertain significance for Hereditary cancer-predisposing syndrome. Last evaluated: 2024-02-12. Review status: criteria provided, single submitter. Criteria: Ambry Variant Classification Scheme 2023. Collection method: clinical testing. Allele origin: germline.
Comment: The p.E1518K variant (also known as c.4552G>A), located in coding exon 10 of the BRCA2 gene, results from a G to A substitution at nucleotide position 4552. The glutamic acid at codon 1518 is replaced by lysine, an amino acid with similar properties. This amino acid position is not well conserved in available vertebrate species. In addition, the in silico prediction for this alteration is inconclusive. Based on the available evidence, the clinical significance of this alteration remains unclear.

NM_000059.4(BRCA2):c.4552G>A (p.Glu1518Lys)

Gene: BRCA2 (BRCA2 DNA repair associated; plus strand). Cytogenetic location: 13q13.1.
Variant type: single nucleotide variant.
Coding change: c.4552G>A on transcript NM_000059.4 (MANE Select); coding-DNA position 4552, G replaced by A.
Protein change: p.Glu1518Lys; replaces glutamic acid 1518 with lysine.
Molecular consequence: missense variant. On other transcripts: non-coding transcript variant (1), intron variant (2).
Genome position (GRCh38, 1-based): chr13:32,338,907, G>A. VCF-style: chr13-32338907-G-A. GRCh37 (hg19) VCF-style: chr13-32913044-G-A.
Other names: c.4552G>A, p.Glu1518Lys (NM_001406719.1, NM_001406720.1); c.1909+5520G>A (NM_001406721.1); c.425-5651G>A (NM_001406722.1); short protein forms E1518K.
Identifiers: ClinVar variation 3226912 (VCV003226912.1), dbSNP rs397507727, ClinGen allele CA387781792.
Genomic context (GRCh38, chr13:32,338,907, plus strand): 5'-GGTACTGGAAATCAACTAGTGACCTTCCAGGGACAACCCGAACGTGATGAAAAGATCAAA[G>A]AACCTACTCTATTGGGTTTTCATACAGCTAGCGGGAAAAAAGTTAAAATTGCAAAGGAAT-3'
Protein context (NP_000050.3, residues 1508-1528): GQPERDEKIK[Glu1518Lys]PTLLGFHTAS